The following is an entry in ClinVar:

NM_014629.4(ARHGEF10):c.3715G>T (p.Ala1239Ser)

Gene: ARHGEF10 (Rho guanine nucleotide exchange factor 10; plus strand). Cytogenetic location: 8p23.3.
Variant type: single nucleotide variant.
Coding change: c.3715G>T on transcript NM_014629.4 (MANE Select); coding-DNA position 3715, G replaced by T.
Protein change: p.Ala1239Ser; replaces alanine 1239 with serine.
Molecular consequence: missense variant.
Genome position (GRCh38, 1-based): chr8:1,956,943, G>T. VCF-style: chr8-1956943-G-T. GRCh37 (hg19) VCF-style: chr8-1905109-G-T.
Other names: c.3601G>T, p.Ala1201Ser (NM_001308152.2); c.3715G>T, p.Ala1239Ser (NM_001308153.3); short protein forms A1201S, A1239S, A1263S.
Identifiers: ClinVar variation 2982853 (VCV002982853.3), dbSNP rs373928792, ClinGen allele CA4601472.

ClinVar aggregate classification (germline): Uncertain significance (1 of 4 stars; one submission).

Allele frequency attached by ClinVar (database versions not stated): ESP Exome Variant Server 0.00008.
gnomAD v4.1: 14 of 1,614,066 alleles (0.00087%); highest among the groups gnomAD compares: African/African-American, 0.0093%; no homozygotes.

Submission:

Labcorp Genetics (formerly Invitae), Labcorp
Classification: Uncertain significance. Last evaluated: 2022-11-30. Review status: criteria provided, single submitter. Criteria: Invitae Variant Classification Sherloc (09022015). Collection method: clinical testing. Allele origin: germline.
Comment: In summary, the available evidence is currently insufficient to determine the role of this variant in disease. Therefore, it has been classified as a Variant of Uncertain Significance. Algorithms developed to predict the effect of missense changes on protein structure and function output the following: SIFT: "Tolerated"; PolyPhen-2: "Benign"; Align-GVGD: "Class C0". The serine amino acid residue is found in multiple mammalian species, which suggests that this missense change does not adversely affect protein function. This variant has not been reported in the literature in individuals affected with ARHGEF10-related conditions. This variant is present in population databases (rs373928792, gnomAD 0.01%). This sequence change replaces alanine, which is neutral and non-polar, with serine, which is neutral and polar, at codon 1239 of the ARHGEF10 protein (p.Ala1239Ser).